The following is an entry in ClinVar:

ClinVar aggregate classification (germline): Likely pathogenic (1 of 4 stars; one submission).

Conditions:
Neurological syndrome with pontocerebellar hypoplasia.

Allele frequency attached by ClinVar (database versions not stated): gnomAD exomes below 0.00001; ExAC 0.00002; gnomAD 0.00002; TOPMed 0.00004; ESP Exome Variant Server 0.00023.
gnomAD v4.1: 5 of 1,613,206 alleles (0.00031%); highest among the groups gnomAD compares: African/African-American, 0.0027%; no homozygotes.

Submission:

Greenwood Genetic Center Diagnostic Laboratories, Greenwood Genetic Center
Classification: Likely pathogenic for Neurological syndrome with pontocerebellar hypoplasia. Last evaluated: 2022-11-16. Review status: criteria provided, single submitter. Criteria: ACMG Guidelines, 2015. Collection method: clinical testing. Allele origin: germline. Affected: yes.
Comment: PVS1, PM2

NM_019024.3(HEATR5B):c.1615C>T (p.Arg539Ter)

Gene: HEATR5B (HEAT repeat containing 5B; minus strand). Cytogenetic location: 2p22.2.
Variant type: single nucleotide variant.
Coding change: c.1615C>T on transcript NM_019024.3 (MANE Select); coding-DNA position 1615, C replaced by T.
Protein change: p.Arg539Ter; replaces arginine 539 with a stop codon.
Molecular consequence: nonsense.
Genome position (GRCh38, 1-based): chr2:37,062,020, G>A on the plus strand (C>T on the coding strand, the complement: HEATR5B is on the minus strand). VCF-style: chr2-37062020-G-A. GRCh37 (hg19) VCF-style: chr2-37289163-G-A.
Other names: short protein forms R539*.
Identifiers: ClinVar variation 2429105 (VCV002429105.4), dbSNP rs369632588, ClinGen allele CA1614255.